The following is an entry in ClinVar:

ClinVar aggregate classification (germline): Uncertain significance (1 of 4 stars; one submission).

Submission:

Labcorp Genetics (formerly Invitae), Labcorp
Classification: Uncertain significance. Last evaluated: 2022-05-03. Review status: criteria provided, single submitter. Criteria: Invitae Variant Classification Sherloc (09022015). Collection method: clinical testing. Allele origin: germline.
Comment: In summary, the available evidence is currently insufficient to determine the role of this variant in disease. Therefore, it has been classified as a Variant of Uncertain Significance. This variant has not been reported in the literature in individuals affected with VAV1-related conditions. This variant results in a copy number gain of the genomic region encompassing exon(s) 1 of the VAV1 gene. This region includes the initiator codon of the gene. This copy number gain extends beyond the assayed region for this gene and therefore may encompass additional genes. As the precise location of this event is unknown, it may be in tandem or it may be located elsewhere in the genome.

NC_000019.9:g.(?_6772819)_(6773042_?)dup

Gene: VAV1 (vav guanine nucleotide exchange factor 1; plus strand). Cytogenetic location: 19p13.3.
Variant type: Duplication.
Identifiers: ClinVar variation 2425351 (VCV002425351.4).